The following is an entry in ClinVar:

ClinVar aggregate classification (germline): Likely benign. Review status: criteria provided, multiple submitters, no conflicts (2 of 4 stars). 3 submissions from 3 submitters: Likely benign (3). Last evaluated 2025-12-19.

Conditions:
Age related macular degeneration 1 (ARMD1). Also called: MACULOPATHY, AGE-RELATED, 1. Identifiers: MedGen C1864205, MONDO:0011285, OMIM 603075.

Allele frequency attached by ClinVar (database versions not stated): gnomAD 0.00007 and 0.00013; TOPMed 0.00010; ExAC 0.00018; gnomAD exomes 0.00028; 1000 Genomes Project 0.00160; 1000 Genomes Project 30x 0.00172.
gnomAD v4.1: 113 of 1,613,882 alleles (0.007%); highest among the groups gnomAD compares: East Asian, 0.2%; no homozygotes.

Submissions (3):

Labcorp Genetics (formerly Invitae), Labcorp
Classification: Likely benign. Last evaluated: 2025-12-19. Review status: criteria provided, single submitter. Criteria: Invitae Variant Classification Sherloc (09022015). Collection method: clinical testing. Allele origin: germline.

Genome-Nilou Lab
Classification: Likely benign for Age related macular degeneration 1. Last evaluated: 2023-04-11. Review status: criteria provided, single submitter. Criteria: ACMG Guidelines, 2015. Collection method: clinical testing. Allele origin: germline. Affected: no.

Illumina Laboratory Services, Illumina
Classification: Likely benign for Age related macular degeneration 1. Last evaluated: 2018-01-13. Review status: criteria provided, single submitter. Criteria: ICSL Variant Classification Criteria 13 December 2019. Collection method: clinical testing. Allele origin: germline.
Comment: This variant was observed in the ICSL laboratory as part of a predisposition screen in an ostensibly healthy population. It had not been previously curated by ICSL or reported in the Human Gene Mutation Database (HGMD: prior to June 1st, 2018), and was therefore a candidate for classification through an automated scoring system. Utilizing variant allele frequency, disease prevalence and penetrance estimates, and inheritance mode, an automated score was calculated to assess if this variant is too frequent to cause the disease. Based on the score and internal cut-off values, a variant classified as likely benign is not then subjected to further curation. The score for this variant resulted in a classification of likely benign for this disease.

NM_031935.3(HMCN1):c.11797A>T (p.Asn3933Tyr)

Gene: HMCN1 (hemicentin 1; plus strand). Cytogenetic location: 1q31.1.
Variant type: single nucleotide variant.
Coding change: c.11797A>T on transcript NM_031935.3 (MANE Select); coding-DNA position 11797, A replaced by T.
Protein change: p.Asn3933Tyr; replaces asparagine 3933 with tyrosine.
Molecular consequence: missense variant.
Genome position (GRCh38, 1-based): chr1:186,117,572, A>T. VCF-style: chr1-186117572-A-T. GRCh37 (hg19) VCF-style: chr1-186086704-A-T.
Other names: short protein forms N3933Y.
Identifiers: ClinVar variation 874868 (VCV000874868.12), dbSNP rs184081240, ClinGen allele CA1294152.
Genomic context (GRCh38, chr1:186,117,572, plus strand): 5'-CCAGCAGTAATTACCTGCACTGCTTCGGGAGTTCCATTTCCCTCAATTCACTGGACCAAA[A>T]ATGGTATAAGACTGCTTCCCAGGGGAGATGGCTATAGAATTCTGTCCTCAGGTAAGACCA-3'
Protein context (NP_114141.2, residues 3923-3943): VPFPSIHWTK[Asn3933Tyr]GIRLLPRGDG